The following is an entry in ClinVar:

ClinVar aggregate classification (germline): Conflicting classifications of pathogenicity. Review status: criteria provided, conflicting classifications (1 of 4 stars). 5 submissions from 5 submitters: Likely pathogenic (4); Uncertain significance (1). Last evaluated 2025-09-02.

Conditions:
Ceroid lipofuscinosis, neuronal, 6A. Also called: Neuronal ceroid lipofuscinosis, late infantile, variant; Neuronal ceroid lipofuscinosis, Gypsy/Indian early juvenile variant; Neuronal ceroid lipofuscinosis 6; CLN6-Related Neuronal Ceroid-Lipofuscinosis. Identifiers: Orphanet 168491, Orphanet 228363, MedGen C5551375, MONDO:0011144, OMIM 601780.
Neuronal ceroid lipofuscinosis. Also called: Neuronal Ceroid Lipofuscinoses. Identifiers: Orphanet 216, Orphanet 79263, MedGen C0027877, MONDO:0016295. Disease mechanism: loss of function.
Ceroid lipofuscinosis, neuronal, 6B (Kufs type). Also called: Neuronal ceroid lipofuscinosis 4A. Identifiers: Orphanet 700477, MedGen C5561927, MONDO:0008768, OMIM 204300.

Allele frequency attached by ClinVar (database versions not stated): TOPMed 0.00001.
gnomAD v4.1: 19 of 1,612,448 alleles (0.0012%); highest among the groups gnomAD compares: South Asian, 0.012%; no homozygotes.

Submissions (5):

Labcorp Genetics (formerly Invitae), Labcorp
Classification: Likely pathogenic for Neuronal ceroid lipofuscinosis. Last evaluated: 2025-09-02. Review status: criteria provided, single submitter. Criteria: Invitae Variant Classification Sherloc (09022015). Collection method: clinical testing. Allele origin: germline.
Comment: This sequence change replaces tyrosine, which is neutral and polar, with cysteine, which is neutral and slightly polar, at codon 221 of the CLN6 protein (p.Tyr221Cys). This variant is present in population databases (rs764571295, gnomAD 0.01%). This missense change has been observed in individuals with neuronal ceroid lipofuscinosis (PMID: 19135028, 19201763). ClinVar contains an entry for this variant (Variation ID: 813907). Invitae Evidence Modeling of protein sequence and biophysical properties (such as structural, functional, and spatial information, amino acid conservation, physicochemical variation, residue mobility, and thermodynamic stability) has been performed for this missense variant. However, the output from this modeling did not meet the statistical confidence thresholds required to predict the impact of this variant on CLN6 protein function. This variant disrupts the p.Tyr221 amino acid residue in CLN6. Other variant(s) that disrupt this residue have been determined to be pathogenic (PMID: 12815591, 21990111, 35505348, 37074398). This suggests that this residue is clinically significant, and that variants that disrupt this residue are likely to be disease-causing. In summary, the currently available evidence indicates that the variant is pathogenic, but additional data are needed to prove that conclusively. Therefore, this variant has been classified as Likely Pathogenic.

Natera, Inc.
Classification: Likely pathogenic for Ceroid lipofuscinosis, neuronal, 6A. Last evaluated: 2025-06-18. Review status: criteria provided, single submitter. Criteria: Natera Variant Classification Schema (03/2026). Collection method: clinical testing. Allele origin: germline.
Comment: The c.662A>G variant in CLN6 is a missense variant predicted to cause substitution of tyrosine to cysteine at amino acid 221. This variant is rare in the general population with a frequency below the threshold expected for the associated phenotype(s). This variant has been observed in one or more individuals affected with the associated recessive disease, as either homozygous or compound heterozygous with a second variant (PMID: 19135028). A different variant at the same position has been determined to be Pathogenic or Likely Pathogenic. Computational prediction algorithms indicate this variant is likely to affect gene or protein function. Given the available evidence, this variant is classified as Likely Pathogenic.

Fulgent Genetics
Classification: Likely pathogenic for Ceroid lipofuscinosis, neuronal, 6B (Kufs type); Ceroid lipofuscinosis, neuronal, 6A. Last evaluated: 2024-04-19. Review status: criteria provided, single submitter. Criteria: ACMG Guidelines, 2015. Collection method: clinical testing. Allele origin: germline.

Women's Health and Genetics/Laboratory Corporation of America, LabCorp
Classification: Likely pathogenic for Neuronal ceroid lipofuscinosis. Last evaluated: 2024-04-18. Review status: criteria provided, single submitter. Criteria: LabCorp Variant Classification Summary - May 2015. Collection method: clinical testing. Allele origin: germline.
Comment: Variant summary: CLN6 c.662A>G (p.Tyr221Cys) results in a non-conservative amino acid change in the encoded protein sequence. Five of five in-silico tools predict a damaging effect of the variant on protein function. The variant allele was found at a frequency of 1.6e-05 in 251004 control chromosomes. c.662A>G has been reported in the literature in individuals affected with Neuronal Ceroid-Lipofuscinosis (Batten Disease) (examples: Cannelli_2009, Santorelli_2013). These data indicate that the variant is likely to be associated with disease. To our knowledge, no experimental evidence demonstrating an impact on protein function has been reported. The following publications have been ascertained in the context of this evaluation (PMID: 19135028, 23374165). ClinVar contains an entry for this variant (Variation ID: 813907). Based on the evidence outlined above, the variant was classified as likely pathogenic.

Broad Center for Mendelian Genomics, Broad Institute of MIT and Harvard
Classification: Uncertain significance for Ceroid lipofuscinosis, neuronal, 6A. Last evaluated: 2018-12-03. Review status: criteria provided, single submitter. Criteria: ACMG Guidelines, 2015. Collection method: research. Allele origin: germline. Inheritance: Autosomal recessive inheritance. Affected: yes.
Comment: Although this variant has been seen in the general population, its frequency is low enough to be consistent with a recessive carrier frequency. Computational prediction tools and conservation analyses suggest that this variant may impact the protein, though this information is not predictive enough to determine pathogenicity. In summary, while there is some suspicion for a pathogenic role, the clinical significance of this variant is uncertain. ACMG/AMP Criteria applied: PM2, PP3, PM5_Supporting (Richards 2015).

Literature cited by the submitters: PubMed 19135028 (cited by 4 submitters); PubMed 19201763 (cited by Labcorp Genetics (formerly Invitae), Labcorp and Broad Center for Mendelian Genomics, Broad Institute of MIT and Harvard); PubMed 12815591 (cited by Labcorp Genetics (formerly Invitae), Labcorp and Broad Center for Mendelian Genomics, Broad Institute of MIT and Harvard); PubMed 21990111 (cited by Labcorp Genetics (formerly Invitae), Labcorp and Broad Center for Mendelian Genomics, Broad Institute of MIT and Harvard); PubMed 35505348 (cited by Labcorp Genetics (formerly Invitae), Labcorp); PubMed 37074398 (cited by Labcorp Genetics (formerly Invitae), Labcorp); PubMed 23374165 (cited by Women's Health and Genetics/Laboratory Corporation of America, LabCorp).

NM_017882.3(CLN6):c.662A>G (p.Tyr221Cys)

Gene: CLN6 (CLN6 transmembrane ER protein; minus strand). Cytogenetic location: 15q23.
Variant type: single nucleotide variant.
Coding change: c.662A>G on transcript NM_017882.3 (MANE Select); coding-DNA position 662, A replaced by G.
Protein change: p.Tyr221Cys; replaces tyrosine 221 with cysteine.
Molecular consequence: missense variant.
Genome position (GRCh38, 1-based): chr15:68,209,640, T>C on the plus strand (A>G on the coding strand, the complement: CLN6 is on the minus strand). VCF-style: chr15-68209640-T-C. GRCh37 (hg19) VCF-style: chr15-68501978-T-C.
Other names: c.662A>G (NM_017882.2); short protein forms Y221C.
Identifiers: ClinVar variation 813907 (VCV000813907.7), dbSNP rs764571295, ClinGen allele CA7630516.
Genomic context (GRCh38, chr15:68,209,640, plus strand): 5'-TGCTGCCGTGGCTCTCTCAGTGCCCCTGCCTCTGCCCCCATGCTGATGTCCACTCACCAG[T>C]AGTACAGGCCACTGGGTGCCACCAGGAGCAGGGCAGGCCCTGGAATCAAGCTCTCAGCTT-3'
Protein context (NP_060352.1, residues 211-231): LLLVAPSGLY[Tyr221Cys]WYLVTEGQIF